The following is an entry in ClinVar:

NM_001003841.3(SLC6A19):c.1337T>G (p.Leu446Arg)

Gene: SLC6A19 (solute carrier family 6 member 19; plus strand). Cytogenetic location: 5p15.33.
Variant type: single nucleotide variant.
Coding change: c.1337T>G on transcript NM_001003841.3 (MANE Select); coding-DNA position 1337, T replaced by G.
Protein change: p.Leu446Arg; replaces leucine 446 with arginine.
Molecular consequence: missense variant.
Genome position (GRCh38, 1-based): chr5:1,219,066, T>G. VCF-style: chr5-1219066-T-G. GRCh37 (hg19) VCF-style: chr5-1219181-T-G.
Other names: short protein forms L446R.
Identifiers: ClinVar variation 2054281 (VCV002054281.4), dbSNP rs2477956782, ClinGen allele CA359073847.

ClinVar aggregate classification (germline): Uncertain significance (1 of 4 stars; one submission).

Submission:

Labcorp Genetics (formerly Invitae), Labcorp
Classification: Uncertain significance. Last evaluated: 2022-09-12. Review status: criteria provided, single submitter. Criteria: Invitae Variant Classification Sherloc (09022015). Collection method: clinical testing. Allele origin: germline.
Comment: This variant has not been reported in the literature in individuals affected with SLC6A19-related conditions. Advanced modeling of protein sequence and biophysical properties (such as structural, functional, and spatial information, amino acid conservation, physicochemical variation, residue mobility, and thermodynamic stability) performed at Invitae indicates that this missense variant is not expected to disrupt SLC6A19 protein function. In summary, the available evidence is currently insufficient to determine the role of this variant in disease. Therefore, it has been classified as a Variant of Uncertain Significance. This variant is not present in population databases (gnomAD no frequency). This sequence change replaces leucine, which is neutral and non-polar, with arginine, which is basic and polar, at codon 446 of the SLC6A19 protein (p.Leu446Arg).